The following is an entry in ClinVar:

NM_001142800.2(EYS):c.7065A>C (p.Glu2355Asp)

Gene: EYS (EGF-like photoreceptor maintenance factor; minus strand). Cytogenetic location: 6q12.
Variant type: single nucleotide variant.
Coding change: c.7065A>C on transcript NM_001142800.2 (MANE Select); coding-DNA position 7065, A replaced by C.
Protein change: p.Glu2355Asp; replaces glutamic acid 2355 with aspartic acid.
Molecular consequence: missense variant.
Genome position (GRCh38, 1-based): chr6:63,864,349, T>G on the plus strand (A>C on the coding strand, the complement: EYS is on the minus strand). VCF-style: chr6-63864349-T-G. GRCh37 (hg19) VCF-style: chr6-64574242-T-G.
Other names: c.7065A>C, p.Glu2355Asp (NM_001292009.2); c.7065A>C (NM_001142800.1); short protein forms E2355D.
Identifiers: ClinVar variation 1378770 (VCV001378770.7), dbSNP rs749617474, ClinGen allele CA3876841.

ClinVar aggregate classification (germline): Uncertain significance. Review status: criteria provided, multiple submitters, no conflicts (2 of 4 stars). 5 submissions from 5 submitters: Uncertain significance (5). Last evaluated 2026-09-18.

Conditions:
EYS-related disorder. Also called: EYS-related condition.
Retinitis pigmentosa 25 (RP25). Identifiers: Orphanet 791, MedGen C1864446, MONDO:0011272, OMIM 602772.
Retinal dystrophy. Also called: Inherited retinal dystrophy. Identifiers: Orphanet 71862, MedGen C0854723, MeSH D058499, MONDO:0019118, HP:0000556.

Allele frequency attached by ClinVar (database versions not stated): gnomAD 0.00001; gnomAD exomes 0.00002 and 0.00006; TOPMed 0.00002; ExAC 0.00005.
gnomAD v4.1: 26 of 1,549,850 alleles (0.0017%); highest among the groups gnomAD compares: East Asian, 0.061%; no homozygotes.

Submissions (5):

PreventionGenetics, part of Exact Sciences
Classification: Uncertain significance for EYS-related condition. Last evaluated: 2026-09-18. Review status: criteria provided, single submitter. Criteria: ACMG Guidelines, 2015. Collection method: clinical testing. Allele origin: germline.
Comment: The EYS c.7065A>C variant is predicted to result in the amino acid substitution p.Glu2355Asp. This variant was previously reported as a variant of uncertain significance in a large cohort of individuals with retinal disease (Suvannaboon et al. 2022. PubMed ID: 36513702). However, this variant is reported in 0.083% of alleles in individuals of East Asian descent in gnomAD, which may be too frequent to be a primary cause of disease. Although we suspect that this variant may be benign, the clinical significance of this variant is currently classified as uncertain due to the absence of conclusive functional and genetic evidence.

Dept Of Ophthalmology, Nagoya University
Classification: Uncertain significance for Retinal dystrophy. Last evaluated: 2023-10-01. Review status: criteria provided, single submitter. Criteria: Submitter's publication. Collection method: research. Allele origin: germline. Affected: yes.

Labcorp Genetics (formerly Invitae), Labcorp
Classification: Uncertain significance. Last evaluated: 2022-09-01. Review status: criteria provided, single submitter. Criteria: Invitae Variant Classification Sherloc (09022015). Collection method: clinical testing. Allele origin: germline.
Comment: This sequence change replaces glutamic acid, which is acidic and polar, with aspartic acid, which is acidic and polar, at codon 2355 of the EYS protein (p.Glu2355Asp). This variant is present in population databases (rs749617474, gnomAD 0.09%). This variant has not been reported in the literature in individuals affected with EYS-related conditions. ClinVar contains an entry for this variant (Variation ID: 1378770). Algorithms developed to predict the effect of missense changes on protein structure and function output the following: SIFT: "Tolerated"; PolyPhen-2: "Benign"; Align-GVGD: "Class C0". The aspartic acid amino acid residue is found in multiple mammalian species, which suggests that this missense change does not adversely affect protein function. In summary, the available evidence is currently insufficient to determine the role of this variant in disease. Therefore, it has been classified as a Variant of Uncertain Significance.

Siriraj Ophthalmic Genetics Research, Faculty of Medicine Siriraj Hospital, Mahidol University
Classification: Uncertain significance for Retinitis pigmentosa 25. Last evaluated: 2022-05-01. Review status: criteria provided, single submitter. Criteria: ACMG Guidelines, 2015. Collection method: research. Allele origin: germline. Affected: yes. Observed: 1 heterozygote.

Blueprint Genetics
Classification: Uncertain significance. Last evaluated: 2022-03-24. Review status: criteria provided, single submitter. Criteria: ACMG Guidelines, 2015. Collection method: clinical testing. Allele origin: germline.